The following is an entry in ClinVar:

ClinVar aggregate classification (germline): Uncertain significance (1 of 4 stars; one submission).

Submission:

Labcorp Genetics (formerly Invitae), Labcorp
Classification: Uncertain significance. Last evaluated: 2023-11-08. Review status: criteria provided, single submitter. Criteria: Invitae Variant Classification Sherloc (09022015). Collection method: clinical testing. Allele origin: germline.
Comment: This sequence change replaces tyrosine, which is neutral and polar, with cysteine, which is neutral and slightly polar, at codon 1553 of the SCN3A protein (p.Tyr1553Cys). This variant is not present in population databases (gnomAD no frequency). This variant has not been reported in the literature in individuals affected with SCN3A-related conditions. Advanced modeling of protein sequence and biophysical properties (such as structural, functional, and spatial information, amino acid conservation, physicochemical variation, residue mobility, and thermodynamic stability) performed at Invitae indicates that this missense variant is not expected to disrupt SCN3A protein function with a negative predictive value of 80%. In summary, the available evidence is currently insufficient to determine the role of this variant in disease. Therefore, it has been classified as a Variant of Uncertain Significance.

NM_006922.4(SCN3A):c.4658A>G (p.Tyr1553Cys)

Gene: SCN3A (sodium voltage-gated channel alpha subunit 3; minus strand). Cytogenetic location: 2q24.3.
Variant type: single nucleotide variant.
Coding change: c.4658A>G on transcript NM_006922.4 (MANE Select); coding-DNA position 4658, A replaced by G.
Protein change: p.Tyr1553Cys; replaces tyrosine 1553 with cysteine.
Molecular consequence: missense variant.
Genome position (GRCh38, 1-based): chr2:165,092,403, T>C on the plus strand (A>G on the coding strand, the complement: SCN3A is on the minus strand). VCF-style: chr2-165092403-T-C. GRCh37 (hg19) VCF-style: chr2-165948913-T-C.
Other names: c.4511A>G, p.Tyr1504Cys (NM_001081676.2, NM_001081677.2); short protein forms Y1504C, Y1553C.
Identifiers: ClinVar variation 2765971 (VCV002765971.3), dbSNP rs2468047438, ClinGen allele CA349019117.
Genomic context (GRCh38, chr2:165,092,403, plus strand): 5'-AATTCTCCAGTGAACAGAACAATGAACACTAGGTTGATCCGGGACAAAACTAGGGTCATG[T>C]ATTTGCCCTGGTCATCCGTTTCCACCATCATGGTGACCATGTTGAGGCAGATGAGGATCA-3'
Protein context (NP_008853.3, residues 1543-1563): MMVETDDQGK[Tyr1553Cys]MTLVLSRINL